The following is an entry in ClinVar:

ClinVar aggregate classification (germline): Uncertain significance. Review status: criteria provided, multiple submitters, no conflicts (2 of 4 stars). 2 submissions from 2 submitters: Uncertain significance (2). Last evaluated 2024-07-30.

Conditions:
Hereditary cancer-predisposing syndrome. Also called: Hereditary Cancer Syndrome; Neoplastic Syndromes, Hereditary; Tumor predisposition; Hereditary neoplastic syndrome. Identifiers: Orphanet 140162, MedGen C0027672, MeSH D009386, MONDO:0015356.
Fanconi anemia complementation group O. Also called: RAD51C-Related Fanconi Anemia. Identifiers: Orphanet 84, MedGen C3150653, MONDO:0013248, OMIM 613390.

Allele frequency attached by ClinVar (database versions not stated): TOPMed 0.00001.

Submissions (2):

Labcorp Genetics (formerly Invitae), Labcorp
Classification: Uncertain significance for Fanconi anemia complementation group O. Last evaluated: 2024-07-30. Review status: criteria provided, single submitter. Criteria: Invitae Variant Classification Sherloc (09022015). Collection method: clinical testing. Allele origin: germline.
Comment: This sequence change replaces arginine, which is basic and polar, with serine, which is neutral and polar, at codon 212 of the RAD51C protein (p.Arg212Ser). This variant is not present in population databases (gnomAD no frequency). This variant has not been reported in the literature in individuals affected with RAD51C-related conditions. ClinVar contains an entry for this variant (Variation ID: 230894). Advanced modeling of protein sequence and biophysical properties (such as structural, functional, and spatial information, amino acid conservation, physicochemical variation, residue mobility, and thermodynamic stability) performed at Invitae indicates that this missense variant is not expected to disrupt RAD51C protein function with a negative predictive value of 80%. Algorithms developed to predict the effect of sequence changes on RNA splicing suggest that this variant may disrupt the consensus splice site. In summary, the available evidence is currently insufficient to determine the role of this variant in disease. Therefore, it has been classified as a Variant of Uncertain Significance.

Ambry Genetics
Classification: Uncertain significance for Hereditary cancer-predisposing syndrome. Last evaluated: 2022-05-09. Review status: criteria provided, single submitter. Criteria: Ambry Variant Classification Scheme 2023. Collection method: clinical testing. Allele origin: germline.
Comment: The p.R212S variant (also known as c.634C>A), located in coding exon 4 of the RAD51C gene, results from a C to A substitution at nucleotide position 634. The arginine at codon 212 is replaced by serine, an amino acid with dissimilar properties. This variant was identified in a cohort of 882 Chinese individuals with a personal and/or family history of breast or ovarian cancers who underwent multi-gene panel testing for HBOC risk assessment (Shao D et al. Cancer Sci, 2020 Feb;111:647-657). This amino acid position is well conserved in available vertebrate species; however, serine is the reference amino acid in other vertebrate species. In addition, the in silico prediction for this alteration is inconclusive. Since supporting evidence is limited at this time, the clinical significance of this alteration remains unclear.

Literature cited by the submitters: PubMed 31742824 (cited by Ambry Genetics).

NM_058216.3(RAD51C):c.634C>A (p.Arg212Ser)

Genes: RAD51C (RAD51 paralog C; plus strand), LOC129390903 (MPRA-validated peak2919 silencer; plus strand). Cytogenetic location: 17q22.
Variant type: single nucleotide variant.
Coding change: c.634C>A on transcript NM_058216.3 (MANE Select); coding-DNA position 634, C replaced by A.
Protein change: p.Arg212Ser; replaces arginine 212 with serine.
Molecular consequence: missense variant. On other transcripts: non-coding transcript variant (1).
Genome position (GRCh38, 1-based): chr17:58,703,258, C>A. VCF-style: chr17-58703258-C-A. GRCh37 (hg19) VCF-style: chr17-56780619-C-A.
Other names: short protein forms R212S.
Identifiers: ClinVar variation 230894 (VCV000230894.14), dbSNP rs137947462, ClinGen allele CA10580744.